The following is an entry in ClinVar:

ClinVar aggregate classification (germline): Pathogenic (1 of 4 stars; one submission).

Conditions:
Retinoblastoma (RB1). Also called: RETINOBLASTOMA, SOMATIC. Identifiers: Orphanet 790, MedGen C0035335, MeSH D012175, MONDO:0008380, OMIM 180200, HP:0009919. Disease mechanism: loss of function. Inheritance: Both sporadic and heritable forms are tested..

Submission:

Genetic Diagnostic Laboratory, University of Pennsylvania School of Medicine
Classification: Pathogenic for Retinoblastoma. Last evaluated: 2024-05-20. Review status: criteria provided, single submitter. Criteria: ACMG Guidelines, 2015. Collection method: clinical testing. Allele origin: germline. Affected: yes. Observed: 1 variant allele.
Comment: Case and Pedigree Information: BILATERAL CASES:1, UNILATERAL CASES:0, TOTAL CASES:1, PEDIGREES:1. ACMG Codes Applied:PVS1, PM2

NM_000321.3(RB1):c.2490-2A>G

Gene: RB1 (RB transcriptional corepressor 1; plus strand). Cytogenetic location: 13q14.2.
Variant type: single nucleotide variant.
Coding change: c.2490-2A>G on transcript NM_000321.3 (MANE Select); the canonical splice acceptor site of the intron before coding-DNA position 2490, A replaced by G.
Molecular consequence: splice acceptor variant.
Genome position (GRCh38, 1-based): chr13:48,473,358, A>G. VCF-style: chr13-48473358-A-G. GRCh37 (hg19) VCF-style: chr13-49047494-A-G.
Other names: c.2490-2A>G (NM_001407165.1).
Identifiers: ClinVar variation 3237103 (VCV003237103.1), dbSNP rs2138354579.